The following is an entry in ClinVar:

ClinVar aggregate classification (germline): Uncertain significance (1 of 4 stars; one submission).

gnomAD v4.1: 2 of 1,613,960 alleles (0.00012%); highest among the groups gnomAD compares: Non-Finnish European, 0.00017%; no homozygotes.

Submission:

GeneDx
Classification: Uncertain significance. Last evaluated: 2022-02-16. Review status: criteria provided, single submitter. Criteria: GeneDx Variant Classification Process June 2021. Collection method: clinical testing. Allele origin: germline. Affected: yes.
Comment: Not observed at significant frequency in large population cohorts (gnomAD); In silico analysis supports that this missense variant has a deleterious effect on protein structure/function; Has not been previously published as pathogenic or benign to our knowledge; This variant is associated with the following publications: (PMID: 18184292)

NM_000702.4(ATP1A2):c.1433T>C (p.Ile478Thr)

Gene: ATP1A2 (ATPase Na+/K+ transporting subunit alpha 2; plus strand). Cytogenetic location: 1q23.2.
Variant type: single nucleotide variant.
Coding change: c.1433T>C on transcript NM_000702.4 (MANE Select); coding-DNA position 1433, T replaced by C.
Protein change: p.Ile478Thr; replaces isoleucine 478 with threonine.
Molecular consequence: missense variant.
Genome position (GRCh38, 1-based): chr1:160,129,372, T>C. VCF-style: chr1-160129372-T-C. GRCh37 (hg19) VCF-style: chr1-160099162-T-C.
Other names: short protein forms I478T.
Identifiers: ClinVar variation 1702591 (VCV001702591.2), dbSNP rs2101989816, ClinGen allele CA343242318.